The following is an entry in ClinVar:

ClinVar aggregate classification (germline): Likely pathogenic. Review status: criteria provided, multiple submitters, no conflicts (2 of 4 stars). 4 submissions from 4 submitters: Likely pathogenic (4). Last evaluated 2026-06-22.

Conditions:
Hereditary cancer-predisposing syndrome. Also called: Tumor predisposition; Hereditary Cancer Syndrome; Neoplastic Syndromes, Hereditary; Hereditary neoplastic syndrome. Identifiers: Orphanet 140162, MedGen C0027672, MeSH D009386, MONDO:0015356.
Hereditary breast ovarian cancer syndrome. Also called: Hereditary breast and ovarian cancer syndrome; Hereditary breast and ovarian cancer; BRCA1- and BRCA2-Associated Hereditary Breast and Ovarian Cancer; Hereditary breast and ovarian cancer syndrome (HBOC); Hereditary breast and/or ovarian cancer syndrome; Breast and ovarian cancer. Identifiers: Orphanet 145, MedGen C0677776, MeSH D061325, MONDO:0003582. Disease mechanism: loss of function.
Familial cancer of breast. Also called: BREAST CANCER, FAMILIAL; hereditary breast carcinoma; Hereditary breast cancer. Identifiers: Orphanet 227535, MedGen C0346153, MONDO:0016419, OMIM 114480. Disease mechanism: loss of function.

Submissions (4):

Women's Health and Genetics/Laboratory Corporation of America, LabCorp
Classification: Likely pathogenic for Hereditary breast ovarian cancer syndrome. Last evaluated: 2026-06-22. Review status: criteria provided, single submitter. Criteria: LabCorp Variant Classification Summary - May 2015. Collection method: clinical testing. Allele origin: germline.
Comment: Variant summary: BARD1 c.216-2A>G is located in a canonical splice-site and is predicted to affect mRNA splicing resulting in a significantly altered protein due to either exon skipping, shortening, or inclusion of intronic material. Variants that disrupt the consensus splice site are a relatively common cause of aberrant splicing and loss of BARD1 function. Several computational tools predict a significant impact on normal splicing: Three predict the variant abolishes a 3' acceptor site. Five predict the variant creates a 3' acceptor site. Studies have shown that disruption of this splice site results in activation of a cryptic splice site and introduces a premature termination codon (internal data). The resulting mRNA is expected to undergo nonsense-mediated decay. The variant was absent in 129984 control chromosomes. To our knowledge, no occurrence of c.216-2A>G in individuals affected with BARD1-related conditions has been reported. ClinVar contains an entry for this variant (Variation ID: 1066274). Based on the evidence outlined above, the variant was classified as likely pathogenic.

Labcorp Genetics (formerly Invitae), Labcorp
Classification: Likely pathogenic for Familial cancer of breast. Last evaluated: 2024-06-10. Review status: criteria provided, single submitter. Criteria: Invitae Variant Classification Sherloc (09022015). Collection method: clinical testing. Allele origin: germline.
Comment: This sequence change affects an acceptor splice site in intron 2 of the BARD1 gene. RNA analysis indicates that disruption of this splice site induces altered splicing and may result in an absent or disrupted protein product. This variant is not present in population databases (gnomAD no frequency). This variant has not been reported in the literature in individuals affected with BARD1-related conditions. ClinVar contains an entry for this variant (Variation ID: 1066274). Studies have shown that disruption of this splice site results in activation of a cryptic splice site and introduces a premature termination codon (Invitae). The resulting mRNA is expected to undergo nonsense-mediated decay. In summary, the currently available evidence indicates that the variant is pathogenic, but additional data are needed to prove that conclusively. Therefore, this variant has been classified as Likely Pathogenic.

Myriad Genetics, Inc.
Classification: Likely pathogenic for Familial cancer of breast. Last evaluated: 2023-05-18. Review status: criteria provided, single submitter. Criteria: Myriad Autosomal Dominant, Autosomal Recessive and X-Linked Classification Criteria (2023). Collection method: clinical testing. Allele origin: unknown.
Comment: This variant is considered likely pathogenic. This variant occurs within a consensus splice junction and is predicted to result in abnormal mRNA splicing of either an out-of-frame exon or an in-frame exon necessary for protein stability and/or normal function.

Color Diagnostics, LLC DBA Color Health
Classification: Likely pathogenic for Hereditary cancer-predisposing syndrome. Last evaluated: 2022-05-05. Review status: criteria provided, single submitter. Criteria: ACMG Guidelines, 2015. Collection method: clinical testing. Allele origin: germline.
Comment: This variant causes an A to G nucleotide substitution at the -2 position of intron 2 of the BARD1 gene. Splice site prediction tools predict that this variant may have a significant impact on RNA splicing. Although functional studies have not been reported for this variant, it is expected to result in an absent or non-functional protein product. This variant has not been reported in individuals affected with hereditary cancer in the literature. This variant has not been identified in the general population by the Genome Aggregation Database (gnomAD). Loss of BARD1 function is a known mechanism of disease. Based on the available evidence, this variant is classified as Likely Pathogenic.

NM_000465.4(BARD1):c.216-2A>G

Gene: BARD1 (BRCA1 associated RING domain 1; minus strand). Cytogenetic location: 2q35.
Variant type: single nucleotide variant.
Coding change: c.216-2A>G on transcript NM_000465.4 (MANE Select); the canonical splice acceptor site of the intron before coding-DNA position 216, A replaced by G.
Molecular consequence: splice acceptor variant. On other transcripts: intron variant (2).
Genome position (GRCh38, 1-based): chr2:214,792,447, T>C on the plus strand (A>G on the coding strand, the complement: BARD1 is on the minus strand). VCF-style: chr2-214792447-T-C. GRCh37 (hg19) VCF-style: chr2-215657171-T-C.
Other names: c.158+16965A>G (NM_001282548.2); c.159-2A>G (NM_001282543.2); c.215+4614A>G (NM_001282545.2); c.216-2A>G (NM_001282549.2).
Identifiers: ClinVar variation 1066274 (VCV001066274.13), dbSNP rs2106135562, ClinGen allele CA350461346.